The following is an entry in ClinVar:

NM_001365276.2(TNXB):c.407A>C (p.Gln136Pro)

Gene: TNXB (tenascin XB; minus strand). Cytogenetic location: 6p21.33.
Variant type: single nucleotide variant.
Coding change: c.407A>C on transcript NM_001365276.2 (MANE Select); coding-DNA position 407, A replaced by C.
Protein change: p.Gln136Pro; replaces glutamine 136 with proline.
Molecular consequence: missense variant.
Genome position (GRCh38, 1-based): chr6:32,097,446, T>G on the plus strand (A>C on the coding strand, the complement: TNXB is on the minus strand). VCF-style: chr6-32097446-T-G. GRCh37 (hg19) VCF-style: chr6-32065223-T-G.
Other names: c.407A>C, p.Gln136Pro (NM_019105.8); short protein forms Q136P.
Identifiers: ClinVar variation 2586117 (VCV002586117.2), dbSNP rs2483767587, ClinGen allele CA363489147.

ClinVar aggregate classification (germline): Uncertain significance (1 of 4 stars; one submission).

Conditions:
Cardiovascular phenotype. Identifiers: MedGen CN230736.

Submission:

Ambry Genetics
Classification: Uncertain significance for Cardiovascular phenotype. Last evaluated: 2023-07-18. Review status: criteria provided, single submitter. Criteria: Ambry Variant Classification Scheme 2023. Collection method: clinical testing. Allele origin: germline.
Comment: The p.Q136P variant (also known as c.407A>C), located in coding exon 2 of the TNXB gene, results from an A to C substitution at nucleotide position 407. The glutamine at codon 136 is replaced by proline, an amino acid with similar properties. This amino acid position is conserved. In addition, the in silico prediction for this alteration is inconclusive. Since supporting evidence is limited at this time, the clinical significance of this alteration remains unclear.